The following is an entry in ClinVar:

ClinVar aggregate classification (germline): Likely benign. Review status: criteria provided, single submitter (1 of 4 stars). 2 submissions from 2 submitters: Likely benign (1). 1 of the submissions does not count toward it. Last evaluated 2024-07-02.

Conditions:
NTRK2-related disorder. Also called: NTRK2-related condition.

Allele frequency attached by ClinVar (database versions not stated): ExAC 0.00001; TOPMed 0.00001; gnomAD 0.00002.
gnomAD v4.1: 17 of 1,614,098 alleles (0.0011%); highest among the groups gnomAD compares: East Asian, 0.0022%; no homozygotes.

Submissions (2):

Labcorp Genetics (formerly Invitae), Labcorp
Classification: Likely benign. Last evaluated: 2024-07-02. Review status: criteria provided, single submitter. Criteria: Invitae Variant Classification Sherloc (09022015). Collection method: clinical testing. Allele origin: germline.

PreventionGenetics, part of Exact Sciences
Classification: Likely benign for NTRK2-related condition. Last evaluated: 2022-07-29. Review status: no assertion criteria provided. Collection method: clinical testing. Allele origin: germline. Not counted in ClinVar's aggregate classification.
Comment: This variant is classified as likely benign based on ACMG/AMP sequence variant interpretation guidelines (Richards et al. 2015 PMID: 25741868, with internal and published modifications).

NM_006180.6(NTRK2):c.2100C>T (p.Val700=)

Gene: NTRK2 (neurotrophic receptor tyrosine kinase 2; plus strand). Cytogenetic location: 9q21.33.
Variant type: single nucleotide variant.
Coding change: c.2100C>T on transcript NM_006180.6 (MANE Select); coding-DNA position 2100, C replaced by T.
Protein change: p.Val700=; no amino-acid change (valine 700 retained).
Molecular consequence: synonymous variant.
Genome position (GRCh38, 1-based): chr9:84,955,445, C>T. VCF-style: chr9-84955445-C-T. GRCh37 (hg19) VCF-style: chr9-87570360-C-T.
Other names: c.2100C>T (NM_006180.4); c.2100C>T, p.Val700= (NM_001381928.1); c.2052C>T, p.Val684= (NM_001369532.1, NM_001369533.1, NM_001018064.3); c.2016C>T, p.Val672= (NM_001369534.1); c.1584C>T, p.Val528= (NM_001369535.1); c.1632C>T, p.Val544= (NM_001369536.1).
Identifiers: ClinVar variation 3018432 (VCV003018432.4), dbSNP rs201140756, ClinGen allele CA5105913.